The following is an entry in ClinVar:

ClinVar aggregate classification (germline): Conflicting classifications of pathogenicity. Review status: criteria provided, conflicting classifications (1 of 4 stars). 6 submissions from 5 submitters: Uncertain significance (2); Likely benign (3). 1 of the submissions does not count toward it. Last evaluated 2025-11-19.

Conditions:
CEP152-related disorder. Also called: CEP152-related condition; CEP152-related disorders. Identifiers: MedGen CN239248.
Microcephaly 9, primary, autosomal recessive. Identifiers: Orphanet 2512, MedGen C3553886, MONDO:0013923, OMIM 614852.
Seckel syndrome 5 (SCKL5). Identifiers: Orphanet 808, MedGen C3151187, MONDO:0013443, OMIM 613823.

Allele frequency attached by ClinVar (database versions not stated): gnomAD exomes 0.00010 and 0.00028; gnomAD 0.00011 and 0.00015; TOPMed 0.00015; ExAC 0.00023; 1000 Genomes Project 0.00080; 1000 Genomes Project 30x 0.00094.

Submissions (6):

Labcorp Genetics (formerly Invitae), Labcorp
Classification: Likely benign. Last evaluated: 2025-11-19. Review status: criteria provided, single submitter. Criteria: Invitae Variant Classification Sherloc (09022015). Collection method: clinical testing. Allele origin: germline.

CeGaT Center for Human Genetics Tuebingen
Classification: Likely benign. Last evaluated: 2025-06-01. Review status: criteria provided, single submitter. Criteria: CeGaT Center For Human Genetics Tuebingen Variant Classification Criteria Version 2. Collection method: clinical testing. Allele origin: germline. Affected: yes. Observed: 1 variant allele.
Comment: CEP152: BP4, BS2

Illumina Laboratory Services, Illumina
Classification: Uncertain significance for Microcephaly 9, primary, autosomal recessive. Last evaluated: 2018-01-13. Review status: criteria provided, single submitter. Criteria: ICSL Variant Classification Criteria 13 December 2019. Collection method: clinical testing. Allele origin: germline.

Illumina Laboratory Services, Illumina
Classification: Uncertain significance for Seckel syndrome 5. Last evaluated: 2018-01-13. Review status: criteria provided, single submitter. Criteria: ICSL Variant Classification Criteria 13 December 2019. Collection method: clinical testing. Allele origin: germline.

GeneDx
Classification: Likely benign. Last evaluated: 2017-12-19. Review status: criteria provided, single submitter. Criteria: GeneDx Variant Classification (06012015). Collection method: clinical testing. Allele origin: germline. Affected: yes.
Comment: This variant is considered likely benign or benign based on one or more of the following criteria: it is a conservative change, it occurs at a poorly conserved position in the protein, it is predicted to be benign by multiple in silico algorithms, and/or has population frequency not consistent with disease.

PreventionGenetics, part of Exact Sciences
Classification: Likely benign for CEP152-related condition. Last evaluated: 2023-02-15. Review status: no assertion criteria provided. Collection method: clinical testing. Allele origin: germline. Not counted in ClinVar's aggregate classification.
Comment: This variant is classified as likely benign based on ACMG/AMP sequence variant interpretation guidelines (Richards et al. 2015 PMID: 25741868, with internal and published modifications).

NM_001194998.2(CEP152):c.4175T>C (p.Ile1392Thr)

Gene: CEP152 (centrosomal protein 152; minus strand). Cytogenetic location: 15q21.1.
Variant type: single nucleotide variant.
Coding change: c.4175T>C on transcript NM_001194998.2 (MANE Select); coding-DNA position 4175, T replaced by C.
Protein change: p.Ile1392Thr; replaces isoleucine 1392 with threonine.
Molecular consequence: missense variant.
Genome position (GRCh38, 1-based): chr15:48,739,207, A>G on the plus strand (T>C on the coding strand, the complement: CEP152 is on the minus strand). VCF-style: chr15-48739207-A-G. GRCh37 (hg19) VCF-style: chr15-49031404-A-G.
Other names: c.4007T>C, p.Ile1336Thr (NM_014985.4); c.4175T>C (NM_001194998.1); short protein forms I1336T, I1392T.
Identifiers: ClinVar variation 316410 (VCV000316410.22), dbSNP rs186930123, ClinGen allele CA7548145.
Genomic context (GRCh38, chr15:48,739,207, plus strand): 5'-TTGGGAGCTTGTTCGCACAGAGTTCTGGTGATGGTGTTTACACTATTTGATTTGCTTTCA[A>G]TACAACATGGTATTTTCTGATTCACATCATTTCTTTTTGATTTTTTAACTGCAATCAGCA-3'
Protein context (NP_001181927.1, residues 1382-1402): NDVNQKIPCC[Ile1392Thr]ESKSNSVNTI